The following is an entry in ClinVar:

NM_030957.4(ADAMTS10):c.26G>C (p.Arg9Pro)

Gene: ADAMTS10 (ADAM metallopeptidase with thrombospondin type 1 motif 10; minus strand). Cytogenetic location: 19p13.2.
Variant type: single nucleotide variant.
Coding change: c.26G>C on transcript NM_030957.4 (MANE Select); coding-DNA position 26, G replaced by C.
Protein change: p.Arg9Pro; replaces arginine 9 with proline.
Molecular consequence: missense variant.
Genome position (GRCh38, 1-based): chr19:8,605,685, C>G on the plus strand (G>C on the coding strand, the complement: ADAMTS10 is on the minus strand). VCF-style: chr19-8605685-C-G. GRCh37 (hg19) VCF-style: chr19-8670570-C-G.
Other names: short protein forms R9P.
Identifiers: ClinVar variation 2039564 (VCV002039564.1), dbSNP rs782325782, ClinGen allele CA403758115.

ClinVar aggregate classification (germline): Uncertain significance (1 of 4 stars; one submission).

gnomAD v4.1: 1 of 1,612,278 alleles (0.000062%); highest among the groups gnomAD compares: Non-Finnish European, 0.000085%; no homozygotes.

Submission:

Labcorp Genetics (formerly Invitae), Labcorp
Classification: Uncertain significance. Last evaluated: 2022-02-04. Review status: criteria provided, single submitter. Criteria: Invitae Variant Classification Sherloc (09022015). Collection method: clinical testing. Allele origin: germline.
Comment: This sequence change replaces arginine, which is basic and polar, with proline, which is neutral and non-polar, at codon 9 of the ADAMTS10 protein (p.Arg9Pro). This variant is not present in population databases (gnomAD no frequency). This variant has not been reported in the literature in individuals affected with ADAMTS10-related conditions. Algorithms developed to predict the effect of missense changes on protein structure and function (SIFT, PolyPhen-2, Align-GVGD) all suggest that this variant is likely to be tolerated. In summary, the available evidence is currently insufficient to determine the role of this variant in disease. Therefore, it has been classified as a Variant of Uncertain Significance.